The following is an entry in ClinVar:

ClinVar aggregate classification (germline): Uncertain significance (1 of 4 stars; one submission).

Conditions:
Episodic ataxia type 2 (EA2). Also called: ATAXIA, EPISODIC, WITH NYSTAGMUS; ATAXIA, FAMILIAL PAROXYSMAL; CEREBELLAR ATAXIA, PAROXYSMAL, ACETAZOLAMIDE-RESPONSIVE; CEREBELLOPATHY, HEREDITARY PAROXYSMAL; ACETAZOLAMIDE-RESPONSIVE HEREDITARY PAROXYSMAL CEREBELLAR ATAXIA; EPISODIC ATAXIA, NYSTAGMUS-ASSOCIATED. Identifiers: Orphanet 97, MedGen C1720416, MONDO:0007163, OMIM 108500.
Developmental and epileptic encephalopathy, 42 (DEE42A). Also called: Epileptic encephalopathy, early infantile, 42; DEVELOPMENTAL AND EPILEPTIC ENCEPHALOPATHY 42A; EPILEPTIC ENCEPHALOPATHY, EARLY INFANTILE, 42A. Identifiers: MedGen C4310716, MONDO:0014917, OMIM 617106.

Submission:

Labcorp Genetics (formerly Invitae), Labcorp
Classification: Uncertain significance for Developmental and epileptic encephalopathy, 42; Episodic ataxia type 2. Last evaluated: 2024-04-24. Review status: criteria provided, single submitter. Criteria: Invitae Variant Classification Sherloc (09022015). Collection method: clinical testing. Allele origin: germline.
Comment: This sequence change replaces tyrosine, which is neutral and polar, with serine, which is neutral and polar, at codon 808 of the CACNA1A protein (p.Tyr808Ser). This variant is not present in population databases (gnomAD no frequency). This variant has not been reported in the literature in individuals affected with CACNA1A-related conditions. ClinVar contains an entry for this variant (Variation ID: 2032800). Advanced modeling of protein sequence and biophysical properties (such as structural, functional, and spatial information, amino acid conservation, physicochemical variation, residue mobility, and thermodynamic stability) performed at Invitae indicates that this missense variant is not expected to disrupt CACNA1A protein function with a negative predictive value of 95%. In summary, the available evidence is currently insufficient to determine the role of this variant in disease. Therefore, it has been classified as a Variant of Uncertain Significance.

NM_001127222.2(CACNA1A):c.2420A>C (p.Tyr807Ser)

Gene: CACNA1A (calcium voltage-gated channel subunit alpha1 A; minus strand). Cytogenetic location: 19p13.13.
Variant type: single nucleotide variant.
Coding change: c.2420A>C on transcript NM_001127222.2 (MANE Select); coding-DNA position 2420, A replaced by C.
Protein change: p.Tyr807Ser; replaces tyrosine 807 with serine.
Molecular consequence: missense variant.
Genome position (GRCh38, 1-based): chr19:13,299,213, T>G on the plus strand (A>C on the coding strand, the complement: CACNA1A is on the minus strand). VCF-style: chr19-13299213-T-G. GRCh37 (hg19) VCF-style: chr19-13410027-T-G.
Other names: c.2432A>C, p.Tyr811Ser (NM_000068.4, NM_023035.3); c.2423A>C, p.Tyr808Ser (NM_001127221.2, NM_001174080.2); short protein forms Y807S, Y808S, Y811S.
Identifiers: ClinVar variation 2032800 (VCV002032800.4), dbSNP rs1461624188, ClinGen allele CA404343489.